The following is an entry in ClinVar:

ClinVar aggregate classification (germline): Uncertain significance (1 of 4 stars; one submission).

Conditions:
LADD syndrome 1 (LADD1). Also called: Lacrimoauriculodentodigital syndrome 1. Identifiers: MedGen C5774323, MONDO:0100302, OMIM 149730.

Submission:

MVZ Medizinische Genetik Mainz
Classification: Uncertain significance for LADD syndrome 1. Last evaluated: 2022-03-18. Review status: criteria provided, single submitter. Criteria: UK Practice Guidelines For Variant Classification V4 01 2020. Collection method: clinical testing. Allele origin: germline. Inheritance: Autosomal dominant inheritance. Affected: yes. Observed: 1 variant allele.
Comment: ACMG Criteria: PM2_SUP, PP3, PP4 (ACMG Version 3)

NM_000141.5(FGFR2):c.2122C>A (p.Pro708Thr)

Gene: FGFR2 (fibroblast growth factor receptor 2; minus strand). Cytogenetic location: 10q26.13.
Variant type: single nucleotide variant.
Coding change: c.2122C>A on transcript NM_000141.5 (MANE Select); coding-DNA position 2122, C replaced by A.
Protein change: p.Pro708Thr; replaces proline 708 with threonine.
Molecular consequence: missense variant. On other transcripts: non-coding transcript variant (1).
Genome position (GRCh38, 1-based): chr10:121,485,468, G>T on the plus strand (C>A on the coding strand, the complement: FGFR2 is on the minus strand). VCF-style: chr10-121485468-G-T. GRCh37 (hg19) VCF-style: chr10-123244982-G-T.
Other names: c.2125C>A, p.Pro709Thr (NM_001144913.1, NM_022970.4); c.1786C>A, p.Pro596Thr (NM_001144914.1); c.1855C>A, p.Pro619Thr (NM_001144915.2, NM_023029.3); c.1777C>A, p.Pro593Thr (NM_001144916.2); c.1774C>A, p.Pro592Thr (NM_001144917.2); c.1771C>A, p.Pro591Thr (NM_001144918.2); c.1858C>A, p.Pro620Thr (NM_001144919.2); c.1438C>A, p.Pro480Thr (NM_001320654.2); and 1 more; short protein forms P480T, P591T, P592T, P593T, P596T, P619T, P620T, P706T.
Identifiers: ClinVar variation 3066137 (VCV003066137.1), dbSNP rs2133797381, ClinGen allele CA378312193.